The following is an entry in ClinVar:

ClinVar aggregate classification (germline): Uncertain significance (1 of 4 stars; one submission).

Conditions:
Encephalopathy, acute, infection-induced (herpes-specific), susceptibility to, 1. Also called: Herpes simplex encephalitis, susceptibility to, 1. Identifiers: Orphanet 1930, MedGen C2750180, MONDO:0024563, OMIM 610551.

Allele frequency attached by ClinVar (database versions not stated): ESP Exome Variant Server 0.00008; TOPMed 0.00007; gnomAD 0.00008 and 0.00009; ExAC 0.00007; gnomAD exomes 0.00008.
gnomAD v4.1: 93 of 1,614,098 alleles (0.0058%); highest among the groups gnomAD compares: Non-Finnish European, 0.00076%; no homozygotes.

Submission:

Labcorp Genetics (formerly Invitae), Labcorp
Classification: Uncertain significance for Encephalopathy, acute, infection-induced (herpes-specific), susceptibility to, 1. Last evaluated: 2025-08-24. Review status: criteria provided, single submitter. Criteria: Invitae Variant Classification Sherloc (09022015). Collection method: clinical testing. Allele origin: germline.
Comment: This sequence change replaces serine, which is neutral and polar, with glycine, which is neutral and non-polar, at codon 497 of the TLR3 protein (p.Ser497Gly). This variant is present in population databases (rs369886993, gnomAD 0.2%), and has an allele count higher than expected for a pathogenic variant. This variant has not been reported in the literature in individuals affected with TLR3-related conditions. ClinVar contains an entry for this variant (Variation ID: 537920). An algorithm developed to predict the effect of missense changes on protein structure and function outputs the following: PolyPhen-2: "Benign". The glycine amino acid residue is found in multiple mammalian species, which suggests that this missense change does not adversely affect protein function. In summary, the available evidence is currently insufficient to determine the role of this variant in disease. Therefore, it has been classified as a Variant of Uncertain Significance.

NM_003265.3(TLR3):c.1489A>G (p.Ser497Gly)

Gene: TLR3 (toll like receptor 3; plus strand). Cytogenetic location: 4q35.1.
Variant type: single nucleotide variant.
Coding change: c.1489A>G on transcript NM_003265.3 (MANE Select); coding-DNA position 1489, A replaced by G.
Protein change: p.Ser497Gly; replaces serine 497 with glycine.
Molecular consequence: missense variant.
Genome position (GRCh38, 1-based): chr4:186,083,175, A>G. VCF-style: chr4-186083175-A-G. GRCh37 (hg19) VCF-style: chr4-187004329-A-G.
Other names: short protein forms S497G.
Identifiers: ClinVar variation 537920 (VCV000537920.11), dbSNP rs369886993, ClinGen allele CA3161417.